The following is an entry in ClinVar:

NM_173660.5(DOK7):c.1074_1306dup (p.Gly436fs)

Gene: DOK7 (docking protein 7; plus strand). Cytogenetic location: 4p16.3.
Variant type: Duplication.
Coding change: c.1074_1306dup on transcript NM_173660.5 (MANE Select); coding-DNA positions 1074 to 1306, 233 bases duplicated.
Protein change: p.Gly436fs; shifts the reading frame from glycine 436.
Molecular consequence: frameshift variant. On other transcripts: 3 prime UTR variant (1).
Genome position (GRCh38, 1-based): chr4:3,493,060-3,493,292, 233 bases duplicated. GRCh37 (hg19): chr4:3,494,787-3,495,019.
Other names: c.*295_*527dup (NM_001164673.2); c.144_376dup, p.Gly126fs (NM_001256896.2); c.1074_1306dup, p.Gly436fs (NM_001301071.2); c.642_874dup, p.Gly292fs (NM_001363811.2); short protein forms G292fs, G436fs, G126fs.
Identifiers: ClinVar variation 567882 (VCV000567882.1), dbSNP rs1560232833, ClinGen allele CA891843095.

ClinVar aggregate classification (germline): Uncertain significance (1 of 4 stars; one submission).

Conditions:
Fetal akinesia deformation sequence 1 (FADS1). Also called: Pena-Shokeir syndrome type I; Fetal akinesia sequence. Identifiers: Orphanet 994, MedGen C1276035, MONDO:0100101, OMIM 208150, HP:0001989.
Congenital myasthenic syndrome 10. Also called: Myasthenia, limb-girdle, familial. Identifiers: Orphanet 590, MedGen C1850792, MONDO:0009690, OMIM 254300.

Submission:

Labcorp Genetics (formerly Invitae), Labcorp
Classification: Uncertain significance for Myasthenia, limb-girdle, familial; Pena-Shokeir syndrome type I. Last evaluated: 2018-07-03. Review status: criteria provided, single submitter. Criteria: Invitae Variant Classification Sherloc (09022015). Collection method: clinical testing. Allele origin: germline.
Comment: This sequence change duplicates 233 nucleotides in the last exon of theÂ¬â€ DOK7Â¬â€ gene (c.1074_1306dup), causing a frameshift at codonÂ¬â€ 436Â¬â€ (p.Gly436Alafs*98). While this is not anticipated to result in nonsense mediated decay, it is expected to disrupt the last 69 amino acids of theÂ¬â€ DOK7Â¬â€ protein, and to extend the protein by an additional 28 amino acids. This variant has not been reported in the literature in individuals with DOK7-related disease. In summary, the available evidence is currently insufficient to determine the role of this variant in disease. Therefore, it has been classified as a Variant of Uncertain Significance.